The following is an entry in ClinVar:

ClinVar aggregate classification (germline): Likely benign. Review status: criteria provided, multiple submitters, no conflicts (2 of 4 stars). 3 submissions from 3 submitters: Likely benign (2). 1 of the submissions does not count toward it. Last evaluated 2026-01-05.

Conditions:
MRTFA-related disorder. Also called: MRTFA-related condition.

Allele frequency attached by ClinVar (database versions not stated): ExAC 0.00009; gnomAD 0.00011 and 0.00013; gnomAD exomes 0.00011 and 0.00020; TOPMed 0.00014; ESP Exome Variant Server 0.00031.
gnomAD v4.1: 305 of 1,610,432 alleles (0.019%); highest among the groups gnomAD compares: Non-Finnish European, 0.024%; no homozygotes.

Submissions (3):

Labcorp Genetics (formerly Invitae), Labcorp
Classification: Likely benign. Last evaluated: 2026-01-05. Review status: criteria provided, single submitter. Criteria: Invitae Variant Classification Sherloc (09022015). Collection method: clinical testing. Allele origin: germline.

Blueprint Genetics
Classification: Likely benign. Last evaluated: 2024-09-05. Review status: criteria provided, single submitter. Criteria: ACMG Guidelines, 2015. Collection method: clinical testing. Allele origin: germline.

PreventionGenetics, part of Exact Sciences
Classification: Likely benign for MRTFA-related condition. Last evaluated: 2019-04-26. Review status: no assertion criteria provided. Collection method: clinical testing. Allele origin: germline. Not counted in ClinVar's aggregate classification.
Comment: This variant is classified as likely benign based on ACMG/AMP sequence variant interpretation guidelines (Richards et al. 2015 PMID: 25741868, with internal and published modifications).

NM_020831.6(MRTFA):c.2823C>T (p.Asp941=)

Gene: MRTFA (myocardin related transcription factor A; minus strand). Cytogenetic location: 22q13.1.
Variant type: single nucleotide variant.
Coding change: c.2823C>T on transcript NM_020831.6 (MANE Select); coding-DNA position 2823, C replaced by T.
Protein change: p.Asp941=; no amino-acid change (aspartic acid 941 retained).
Molecular consequence: synonymous variant. On other transcripts: 3 prime UTR variant (1).
Genome position (GRCh38, 1-based): chr22:40,411,663, G>A on the plus strand (C>T on the coding strand, the complement: MRTFA is on the minus strand). VCF-style: chr22-40411663-G-A. GRCh37 (hg19) VCF-style: chr22-40807667-G-A.
Other names: c.2523C>T (NM_020831.4); c.2523C>T, p.Asp841= (NM_001282660.2); c.2673C>T, p.Asp891= (NM_001282661.3); c.*136C>T (NM_001282662.3); c.2628C>T, p.Asp876= (NM_001318139.2).
Identifiers: ClinVar variation 1682921 (VCV001682921.11), dbSNP rs201298872, ClinGen allele CA10249211.